The following is an entry in ClinVar:

NM_173689.7(CRB2):c.1366G>C (p.Gly456Arg)

Gene: CRB2 (crumbs cell polarity complex component 2; plus strand). Cytogenetic location: 9q33.3.
Variant type: single nucleotide variant.
Coding change: c.1366G>C on transcript NM_173689.7 (MANE Select); coding-DNA position 1366, G replaced by C.
Protein change: p.Gly456Arg; replaces glycine 456 with arginine.
Molecular consequence: missense variant. On other transcripts: non-coding transcript variant (1).
Genome position (GRCh38, 1-based): chr9:123,370,419, G>C. VCF-style: chr9-123370419-G-C. GRCh37 (hg19) VCF-style: chr9-126132698-G-C.
Other names: c.1366G>C (NM_173689.5, NM_173689.6); short protein forms G456R.
Identifiers: ClinVar variation 1630716 (VCV001630716.11), dbSNP rs140903037, ClinGen allele CA5231959.

ClinVar aggregate classification (germline): Conflicting classifications of pathogenicity. Review status: criteria provided, conflicting classifications (1 of 4 stars). 3 submissions from 3 submitters: Uncertain significance (2); Likely benign (1). Last evaluated 2025-06-12.

Conditions:
Inborn genetic diseases. Identifiers: MedGen C0950123, MeSH D030342.

Allele frequency attached by ClinVar (database versions not stated): gnomAD exomes 0.00005 and 0.00007; ExAC 0.00011; 1000 Genomes Project 0.00020; gnomAD 0.00021; TOPMed 0.00022; ESP Exome Variant Server 0.00023; 1000 Genomes Project 30x 0.00031.
gnomAD v4.1: 113 of 1,613,582 alleles (0.007%); highest among the groups gnomAD compares: African/African-American, 0.06%; no homozygotes.

Submissions (3):

Labcorp Genetics (formerly Invitae), Labcorp
Classification: Likely benign. Last evaluated: 2025-06-12. Review status: criteria provided, single submitter. Criteria: Invitae Variant Classification Sherloc (09022015). Collection method: clinical testing. Allele origin: germline.

GeneDx
Classification: Uncertain significance. Last evaluated: 2025-03-27. Review status: criteria provided, single submitter. Criteria: GeneDx Variant Classification Process June 2021. Collection method: clinical testing. Allele origin: germline. Affected: yes.
Comment: In silico analysis supports that this missense variant has a deleterious effect on protein structure/function; Has not been previously published as pathogenic or benign to our knowledge

Ambry Genetics
Classification: Uncertain significance for Inborn genetic diseases. Last evaluated: 2024-10-29. Review status: criteria provided, single submitter. Criteria: Ambry Variant Classification Scheme 2023. Collection method: clinical testing. Allele origin: germline.